The following is an entry in ClinVar:

ClinVar aggregate classification (germline): Uncertain significance (0 of 4 stars; one submission).

Conditions:
Macrothrombocytopenia, isolated, 1, autosomal dominant (MACTHC1). Also called: Autosomal dominant macrothrombocytopenia TUBB1-related. Identifiers: Orphanet 140957, MedGen C5676892, MONDO:0800047, OMIM 613112.

gnomAD v4.1: 1 of 1,614,106 alleles (0.000062%); highest among the groups gnomAD compares: Non-Finnish European, 0.000085%; no homozygotes.

Submission:

ISTH-SSC Genomics in Thrombosis and Hemostasis, KU Leuven, Center for Molecular and Vascular Biology
Classification: Uncertain significance for Macrothrombocytopenia, isolated, 1, autosomal dominant. Review status: no assertion criteria provided. Collection method: clinical testing. Allele origin: unknown. Affected: yes.
Comment: Submitted to GoldVariant by Prof Kathleen Freson from Center for Molecular and Vascular Biology, Leuven, Belgium

NM_030773.4(TUBB1):c.1041C>A (p.Asn347Lys)

Gene: TUBB1 (tubulin beta 1 class VI; plus strand). Cytogenetic location: 20q13.32.
Variant type: single nucleotide variant.
Coding change: c.1041C>A on transcript NM_030773.4 (MANE Select); coding-DNA position 1041, C replaced by A.
Protein change: p.Asn347Lys; replaces asparagine 347 with lysine.
Molecular consequence: missense variant.
Genome position (GRCh38, 1-based): chr20:59,024,468, C>A. VCF-style: chr20-59024468-C-A. GRCh37 (hg19) VCF-style: chr20-57599523-C-A.
Other names: short protein forms N347K.
Identifiers: ClinVar variation 1684422 (VCV001684422.1), dbSNP rs1421750582, ClinGen allele CA409468197.